The following is an entry in ClinVar:

NM_000094.4(COL7A1):c.6196A>C (p.Lys2066Gln)

Gene: COL7A1 (collagen type VII alpha 1 chain; minus strand). Cytogenetic location: 3p21.31.
Variant type: single nucleotide variant.
Coding change: c.6196A>C on transcript NM_000094.4 (MANE Select); coding-DNA position 6196, A replaced by C.
Protein change: p.Lys2066Gln; replaces lysine 2066 with glutamine.
Molecular consequence: missense variant.
Genome position (GRCh38, 1-based): chr3:48,575,227, T>G on the plus strand (A>C on the coding strand, the complement: COL7A1 is on the minus strand). VCF-style: chr3-48575227-T-G. GRCh37 (hg19) VCF-style: chr3-48612660-T-G.
Other names: short protein forms K2066Q.
Identifiers: ClinVar variation 3896173 (VCV003896173.2).

ClinVar aggregate classification (germline): Uncertain significance (1 of 4 stars; one submission).

Submission:

Women's Health and Genetics/Laboratory Corporation of America, LabCorp
Classification: Uncertain significance. Last evaluated: 2025-04-18. Review status: criteria provided, single submitter. Criteria: LabCorp Variant Classification Summary - May 2015. Collection method: clinical testing. Allele origin: germline.
Comment: Variant summary: COL7A1 c.6196A>C (p.Lys2066Gln) results in a conservative amino acid change located in the Collagen triple helix repeat (IPR008160) of the encoded protein sequence. Four of five in-silico tools predict a benign effect of the variant on protein function. The variant was absent in 251316 control chromosomes. The available data on variant occurrences in the general population are insufficient to allow any conclusion about variant significance. To our knowledge, no occurrence of c.6196A>C in individuals affected with Dystrophic Epidermolysis Bullosa, Recessive and no experimental evidence demonstrating its impact on protein function have been reported. No submitters have cited clinical-significance assessments for this variant to ClinVar. Based on the evidence outlined above, the variant was classified as uncertain significance.